The following is an entry in ClinVar:

ClinVar aggregate classification (germline): Uncertain significance (1 of 4 stars; one submission).

gnomAD v4.1: 1 of 1,614,052 alleles (0.000062%); highest among the groups gnomAD compares: African/African-American, 0.0013%; no homozygotes.

Submission:

Ambry Genetics
Classification: Uncertain significance. Last evaluated: 2024-11-11. Review status: criteria provided, single submitter. Criteria: Ambry Variant Classification Scheme 2023. Collection method: clinical testing. Allele origin: germline.
Comment: The p.S527Y variant (also known as c.1580C>A), located in coding exon 13 of the NPAT gene, results from a C to A substitution at nucleotide position 1580. The serine at codon 527 is replaced by tyrosine, an amino acid with dissimilar properties. This amino acid position is conserved. In addition, this alteration is predicted to be tolerated by in silico analysis. Based on the available evidence, the clinical significance of this variant remains unclear.

NM_002519.3(NPAT):c.1580C>A (p.Ser527Tyr)

Gene: NPAT (nuclear protein, coactivator of histone transcription; minus strand). Cytogenetic location: 11q22.3.
Variant type: single nucleotide variant.
Coding change: c.1580C>A on transcript NM_002519.3 (MANE Select); coding-DNA position 1580, C replaced by A.
Protein change: p.Ser527Tyr; replaces serine 527 with tyrosine.
Molecular consequence: missense variant.
Genome position (GRCh38, 1-based): chr11:108,173,404, G>T on the plus strand (C>A on the coding strand, the complement: NPAT is on the minus strand). VCF-style: chr11-108173404-G-T. GRCh37 (hg19) VCF-style: chr11-108044131-G-T.
Other names: c.1580C>A, p.Ser527Tyr (NM_001321307.1); short protein forms S527Y.
Identifiers: ClinVar variation 3407151 (VCV003407151.1).